The following is an entry in ClinVar:

NM_032119.4(ADGRV1):c.2312A>T (p.Asp771Val)

Gene: ADGRV1 (adhesion G protein-coupled receptor V1; plus strand). Cytogenetic location: 5q14.3.
Variant type: single nucleotide variant.
Coding change: c.2312A>T on transcript NM_032119.4 (MANE Select); coding-DNA position 2312, A replaced by T.
Protein change: p.Asp771Val; replaces aspartic acid 771 with valine.
Molecular consequence: missense variant. On other transcripts: non-coding transcript variant (1).
Genome position (GRCh38, 1-based): chr5:90,642,707, A>T. VCF-style: chr5-90642707-A-T. GRCh37 (hg19) VCF-style: chr5-89938524-A-T.
Other names: short protein forms D771V.
Identifiers: ClinVar variation 2052581 (VCV002052581.4), dbSNP rs534764504, ClinGen allele CA3338888.

ClinVar aggregate classification (germline): Uncertain significance (1 of 4 stars; one submission).

gnomAD v4.1: 1 of 1,613,434 alleles (0.000062%); no homozygotes.

Submission:

Labcorp Genetics (formerly Invitae), Labcorp
Classification: Uncertain significance. Last evaluated: 2022-04-07. Review status: criteria provided, single submitter. Criteria: Invitae Variant Classification Sherloc (09022015). Collection method: clinical testing. Allele origin: germline.
Comment: This variant is present in population databases (rs534764504, gnomAD 0.004%). This variant has not been reported in the literature in individuals affected with ADGRV1-related conditions. Algorithms developed to predict the effect of missense changes on protein structure and function are either unavailable or do not agree on the potential impact of this missense change (SIFT: "Deleterious"; PolyPhen-2: "Probably Damaging"; Align-GVGD: "Class C0"). In summary, the available evidence is currently insufficient to determine the role of this variant in disease. Therefore, it has been classified as a Variant of Uncertain Significance. This sequence change replaces aspartic acid, which is acidic and polar, with valine, which is neutral and non-polar, at codon 771 of the ADGRV1 protein (p.Asp771Val).